The following is an entry in ClinVar:

ClinVar aggregate classification (germline): Conflicting classifications of pathogenicity. Review status: criteria provided, conflicting classifications (1 of 4 stars). 2 submissions from 2 submitters: Uncertain significance (1); Likely benign (1). Last evaluated 2025-03-17.

gnomAD v4.1: 97 of 1,613,686 alleles (0.006%); highest among the groups gnomAD compares: Middle Eastern, 0.016%; no homozygotes.

Submissions (2):

Labcorp Genetics (formerly Invitae), Labcorp
Classification: Uncertain significance. Last evaluated: 2025-03-17. Review status: criteria provided, single submitter. Criteria: Invitae Variant Classification Sherloc (09022015). Collection method: clinical testing. Allele origin: germline.
Comment: This sequence change replaces arginine, which is basic and polar, with glutamine, which is neutral and polar, at codon 21 of the CAPN5 protein (p.Arg21Gln). This variant is present in population databases (rs782566817, gnomAD 0.008%). This variant has not been reported in the literature in individuals affected with CAPN5-related conditions. Invitae Evidence Modeling of protein sequence and biophysical properties (such as structural, functional, and spatial information, amino acid conservation, physicochemical variation, residue mobility, and thermodynamic stability) indicates that this missense variant is not expected to disrupt CAPN5 protein function with a negative predictive value of 80%. In summary, the available evidence is currently insufficient to determine the role of this variant in disease. Therefore, it has been classified as a Variant of Uncertain Significance.

Blueprint Genetics
Classification: Likely benign. Last evaluated: 2023-08-24. Review status: criteria provided, single submitter. Criteria: ACMG Guidelines, 2015. Collection method: clinical testing. Allele origin: germline.

NM_004055.5(CAPN5):c.62G>A (p.Arg21Gln)

Gene: CAPN5 (calpain 5; plus strand). Cytogenetic location: 11q13.5.
Variant type: single nucleotide variant.
Coding change: c.62G>A on transcript NM_004055.5 (MANE Select); coding-DNA position 62, G replaced by A.
Protein change: p.Arg21Gln; replaces arginine 21 with glutamine.
Molecular consequence: missense variant. On other transcripts: non-coding transcript variant (1).
Genome position (GRCh38, 1-based): chr11:77,084,948, G>A. VCF-style: chr11-77084948-G-A. GRCh37 (hg19) VCF-style: chr11-76795994-G-A.
Other names: c.62G>A, p.Arg21Gln (NM_001425321.1, NM_001425322.1, NM_001425323.1); short protein forms R21Q.
Identifiers: ClinVar variation 3606191 (VCV003606191.3).